The following is an entry in ClinVar:

NM_001369268.1(ACAN):c.79A>G (p.Asn27Asp)

Gene: ACAN (aggrecan; plus strand). Cytogenetic location: 15q26.1.
Variant type: single nucleotide variant.
Coding change: c.79A>G on transcript NM_001369268.1 (MANE Select); coding-DNA position 79, A replaced by G.
Protein change: p.Asn27Asp; replaces asparagine 27 with aspartic acid.
Molecular consequence: missense variant.
Genome position (GRCh38, 1-based): chr15:88,838,671, A>G. VCF-style: chr15-88838671-A-G. GRCh37 (hg19) VCF-style: chr15-89381902-A-G.
Other names: c.79A>G, p.Asn27Asp (NM_001135.4, NM_013227.4); short protein forms N27D.
Identifiers: ClinVar variation 1399355 (VCV001399355.9), dbSNP rs1329297647, ClinGen allele CA393714690.
Genomic context (GRCh38, chr15:88,838,671, plus strand): 5'-GTCCTCTCTAGGCACTAACAGGTCTCTCTTCTACCCCACCTCTCCCACACAGACCATGAC[A>G]ACTCGCTGAGTGTCAGCATCCCCCAACCGTCCCCGCTGAGGGTCCTCCTGGGGACCTCCC-3'
Protein context (NP_001356197.1, residues 17-37): AVTVETSDHD[Asn27Asp]SLSVSIPQPS

ClinVar aggregate classification (germline): Uncertain significance. Review status: criteria provided, multiple submitters, no conflicts (2 of 4 stars). 2 submissions from 2 submitters: Uncertain significance (2). Last evaluated 2024-03-11.

Allele frequency attached by ClinVar (database versions not stated): TOPMed below 0.00001; gnomAD 0.00001; gnomAD exomes 0.00001.

Submissions (2):

Blueprint Genetics
Classification: Uncertain significance. Last evaluated: 2024-03-11. Review status: criteria provided, single submitter. Criteria: ACMG Guidelines, 2015. Collection method: clinical testing. Allele origin: germline.

Labcorp Genetics (formerly Invitae), Labcorp
Classification: Uncertain significance. Last evaluated: 2022-09-27. Review status: criteria provided, single submitter. Criteria: Invitae Variant Classification Sherloc (09022015). Collection method: clinical testing. Allele origin: germline.
Comment: This sequence change replaces asparagine, which is neutral and polar, with aspartic acid, which is acidic and polar, at codon 27 of the ACAN protein (p.Asn27Asp). This variant is not present in population databases (gnomAD no frequency). This variant has not been reported in the literature in individuals affected with ACAN-related conditions. ClinVar contains an entry for this variant (Variation ID: 1399355). Advanced modeling of protein sequence and biophysical properties (such as structural, functional, and spatial information, amino acid conservation, physicochemical variation, residue mobility, and thermodynamic stability) performed at Invitae indicates that this missense variant is not expected to disrupt ACAN protein function. In summary, the available evidence is currently insufficient to determine the role of this variant in disease. Therefore, it has been classified as a Variant of Uncertain Significance.